The following is an entry in ClinVar:

NM_033380.3(COL4A5):c.710del (p.Pro237fs)

Gene: COL4A5 (collagen type IV alpha 5 chain; plus strand). Cytogenetic location: Xq22.3.
Variant type: Deletion.
Coding change: c.710del on transcript NM_033380.3 (MANE Select); coding-DNA position 710, one base deleted (C; older notation c.710delC).
Protein change: p.Pro237fs; shifts the reading frame from proline 237.
Molecular consequence: frameshift variant.
Genome position (GRCh38, 1-based): chrX:108,578,313, C deleted; the last of 3 consecutive C bases (chrX:108,578,311-108,578,313); deleting any one gives the same sequence. VCF-style (leftmost placement, unchanged base first): chrX-108578310-GC-G. GRCh37 (hg19) VCF-style: chrX-107821540-GC-G.
Other names: c.710del, p.Pro237fs (NM_000495.5); short protein forms P237fs.
Identifiers: ClinVar variation 1725699 (VCV001725699.2), dbSNP rs2524235970, ClinGen allele CA2580100185.

ClinVar aggregate classification (germline): Likely pathogenic (1 of 4 stars; one submission).

Conditions:
X-linked Alport syndrome (ATS1). Also called: COL4A5-Related Nephropathy; NEPHROPATHY AND DEAFNESS, X-LINKED. Identifiers: Orphanet 63, Orphanet 88917, MedGen C4746986, MONDO:0010520, OMIM 301050.

Submission:

Myriad Genetics, Inc.
Classification: Likely pathogenic for X-linked Alport syndrome. Last evaluated: 2022-03-31. Review status: criteria provided, single submitter. Criteria: Myriad Women's Health Autosomal Recessive and X-Linked Classification Criteria (2021). Collection method: clinical testing. Allele origin: unknown.
Comment: NM_000495.4(COL4A5):c.710delC(P237Hfs*17) is expected to be pathogenic in the context of X-linked Alport syndrome. This variant is predicted to lead to an abnormal or absent protein product due to the creation of a premature termination codon in COL4A5, a gene where loss-of-function variants are known to be pathogenic. Please note: this variant was assessed in the context of healthy population screening.